The following is an entry in ClinVar:

ClinVar aggregate classification (germline): Uncertain significance (1 of 4 stars; one submission).

Conditions:
Rhabdoid tumor predisposition syndrome 2 (RTPS2). Identifiers: Orphanet 231108, Orphanet 69077, MedGen C2750074, MONDO:0013224, OMIM 613325.

Submission:

Labcorp Genetics (formerly Invitae), Labcorp
Classification: Uncertain significance for Rhabdoid tumor predisposition syndrome 2. Last evaluated: 2019-06-21. Review status: criteria provided, single submitter. Criteria: Invitae Variant Classification Sherloc (09022015). Collection method: clinical testing. Allele origin: germline.
Comment: This sequence change replaces threonine with alanine at codon 629 of the SMARCA4 protein (p.Thr629Ala). The threonine residue is highly conserved and there is a small physicochemical difference between threonine and alanine. This variant is not present in population databases (ExAC no frequency). In summary, the available evidence is currently insufficient to determine the role of this variant in disease. Therefore, it has been classified as a Variant of Uncertain Significance. Algorithms developed to predict the effect of missense changes on protein structure and function are either unavailable or do not agree on the potential impact of this missense change (SIFT: "Deleterious"; PolyPhen-2: "Benign"; Align-GVGD: "Class C55"). This variant has not been reported in the literature in individuals with SMARCA4-related conditions.

NM_003072.5(SMARCA4):c.1885A>G (p.Thr629Ala)

Gene: SMARCA4 (SWI/SNF related BAF chromatin remodeling complex subunit ATPase 4; plus strand). Cytogenetic location: 19p13.2.
Variant type: single nucleotide variant.
Coding change: c.1885A>G on transcript NM_003072.5 (MANE Select); coding-DNA position 1885, A replaced by G.
Protein change: p.Thr629Ala; replaces threonine 629 with alanine.
Molecular consequence: missense variant. On other transcripts: non-coding transcript variant (1).
Genome position (GRCh38, 1-based): chr19:11,003,101, A>G. VCF-style: chr19-11003101-A-G. GRCh37 (hg19) VCF-style: chr19-11113777-A-G.
Other names: c.1885A>G, p.Thr629Ala (NM_001128844.3, NM_001128845.2, NM_001128846.2 and 4 more transcripts); short protein forms T629A.
Identifiers: ClinVar variation 938365 (VCV000938365.9), dbSNP rs2087811842, ClinGen allele CA404051598.